The following is an entry in ClinVar:

NM_000051.4(ATM):c.5240A>G (p.His1747Arg)

Gene: ATM (ATM serine/threonine kinase; plus strand). Cytogenetic location: 11q22.3.
Variant type: single nucleotide variant.
Coding change: c.5240A>G on transcript NM_000051.4 (MANE Select); coding-DNA position 5240, A replaced by G.
Protein change: p.His1747Arg; replaces histidine 1747 with arginine.
Molecular consequence: missense variant.
Genome position (GRCh38, 1-based): chr11:108,301,710, A>G. VCF-style: chr11-108301710-A-G. GRCh37 (hg19) VCF-style: chr11-108172437-A-G.
Other names: c.5240A>G, p.His1747Arg (NM_001351834.2); short protein forms H1747R.
Identifiers: ClinVar variation 453568 (VCV000453568.21), dbSNP rs1555105695, ClinGen allele CA382542406.

ClinVar aggregate classification (germline): Uncertain significance. Review status: criteria provided, multiple submitters, no conflicts (2 of 4 stars). 6 submissions from 6 submitters: Uncertain significance (4). 2 of the submissions do not count toward it. Last evaluated 2025-12-09.

Conditions:
Hereditary cancer-predisposing syndrome. Also called: Tumor predisposition; Hereditary Cancer Syndrome; Neoplastic Syndromes, Hereditary; Hereditary neoplastic syndrome. Identifiers: Orphanet 140162, MedGen C0027672, MeSH D009386, MONDO:0015356.
Ataxia-telangiectasia syndrome (AT). Also called: Cerebello-oculocutaneous telangiectasia; Immunodeficiency with ataxia telangiectasia; Ataxia-telangiectasia, complementation group D; AT, COMPLEMENTATION GROUP C; Ataxia-telangiectasia, complementation group E; LOUIS-BAR SYNDROME. Identifiers: Orphanet 100, MedGen C0004135, MONDO:0008840, OMIM 208900.
Familial cancer of breast. Also called: Hereditary breast cancer; hereditary breast carcinoma; BREAST CANCER, FAMILIAL. Identifiers: Orphanet 227535, MedGen C0346153, MONDO:0016419, OMIM 114480. Disease mechanism: loss of function.

Allele frequency attached by ClinVar (database versions not stated): gnomAD exomes below 0.00001.

Submissions (6):

Labcorp Genetics (formerly Invitae), Labcorp
Classification: Uncertain significance for Ataxia-telangiectasia syndrome. Last evaluated: 2025-12-09. Review status: criteria provided, single submitter. Criteria: Invitae Variant Classification Sherloc (09022015). Collection method: clinical testing. Allele origin: germline.
Comment: This sequence change replaces histidine, which is basic and polar, with arginine, which is basic and polar, at codon 1747 of the ATM protein (p.His1747Arg). This variant is not present in population databases (gnomAD no frequency). This variant has not been reported in the literature in individuals affected with ATM-related conditions. ClinVar contains an entry for this variant (Variation ID: 453568). Invitae Evidence Modeling of protein sequence and biophysical properties (such as structural, functional, and spatial information, amino acid conservation, physicochemical variation, residue mobility, and thermodynamic stability) indicates that this missense variant is not expected to disrupt ATM protein function with a negative predictive value of 95%. In summary, the available evidence is currently insufficient to determine the role of this variant in disease. Therefore, it has been classified as a Variant of Uncertain Significance.

Ambry Genetics
Classification: Uncertain significance for Hereditary cancer-predisposing syndrome. Last evaluated: 2025-01-10. Review status: criteria provided, single submitter. Criteria: Ambry Variant Classification Scheme 2023. Collection method: clinical testing. Allele origin: germline.
Comment: The p.H1747R variant (also known as c.5240A>G), located in coding exon 34 of the ATM gene, results from an A to G substitution at nucleotide position 5240. The histidine at codon 1747 is replaced by arginine, an amino acid with highly similar properties. This amino acid position is well conserved in available vertebrate species. In addition, this alteration is predicted to be tolerated by in silico analysis. Based on the available evidence, the clinical significance of this variant remains unclear.

Fulgent Genetics
Classification: Uncertain significance for Familial cancer of breast; Ataxia-telangiectasia syndrome. Last evaluated: 2024-05-07. Review status: criteria provided, single submitter. Criteria: ACMG Guidelines, 2015. Collection method: clinical testing. Allele origin: germline.

Color Diagnostics, LLC DBA Color Health
Classification: Uncertain significance for Hereditary cancer-predisposing syndrome. Last evaluated: 2024-03-06. Review status: criteria provided, single submitter. Criteria: ACMG Guidelines, 2015. Collection method: clinical testing. Allele origin: germline.
Comment: This missense variant replaces arginine with histidine at codon 1747 of the ATM protein. Computational prediction suggests that this variant may not impact protein structure and function (internally defined REVEL score threshold <= 0.5, PMID: 27666373). To our knowledge, functional studies have not been reported for this variant. This variant has not been reported in individuals affected with ATM-related disorders in the literature. This variant has not been identified in the general population by the Genome Aggregation Database (gnomAD). The available evidence is insufficient to determine the role of this variant in disease conclusively. Therefore, this variant is classified as a Variant of Uncertain Significance.

Institute for Biomarker Research, Medical Diagnostic Laboratories, L.L.C.
Classification: Uncertain significance for Hereditary cancer-predisposing syndrome. Last evaluated: 2021-12-17. Review status: no assertion criteria provided. Collection method: clinical testing. Allele origin: germline. Not counted in ClinVar's aggregate classification.

Natera, Inc.
Classification: Uncertain significance for Ataxia-telangiectasia. Last evaluated: 2020-04-18. Review status: no assertion criteria provided. Collection method: clinical testing. Allele origin: germline. Not counted in ClinVar's aggregate classification.